The following is an entry in ClinVar:

ClinVar aggregate classification (germline): Pathogenic (1 of 4 stars; one submission).

Conditions:
Hypogonadotropic hypogonadism 5 with or without anosmia (KAL5). Also called: HYPOGONADOTROPIC HYPOGONADISM 5 WITH ANOSMIA; HYPOGONADOTROPHIC HYPOGONADISM 5 WITHOUT ANOSMIA; CHD7-Related GnRH Deficiency (Kallmann Syndrome 5). Identifiers: Orphanet 478, MedGen C3552553, MONDO:0012880, OMIM 612370. Disease mechanism: loss of function.

Submission:

Dubai Health Genomic Medicine Center, Dubai Health
Classification: Pathogenic for Hypogonadotropic hypogonadism 5 with or without anosmia. Last evaluated: 2024-10-04. Review status: criteria provided, single submitter. Criteria: ACMG Guidelines, 2015. Collection method: research. Allele origin: germline. Affected: yes.
Comment: PVS1,PM2,PP4

NM_017780.4(CHD7):c.2415dup (p.Met806fs)

Gene: CHD7 (chromodomain helicase DNA binding protein 7; plus strand). Cytogenetic location: 8q12.2.
Variant type: Duplication.
Coding change: c.2415dup on transcript NM_017780.4 (MANE Select); coding-DNA position 2415, one base duplicated (T; older notation c.2415dupT).
Protein change: p.Met806fs; shifts the reading frame from methionine 806.
Molecular consequence: frameshift variant. On other transcripts: intron variant (1).
Genome position (GRCh38, 1-based): chr8:60,801,566, T duplicated; the last of 2 consecutive T bases (chr8:60,801,565-60,801,566); duplicating either gives the same sequence. VCF-style (leftmost placement, unchanged base first): chr8-60801564-A-AT. GRCh37 (hg19) VCF-style: chr8-61714123-A-AT.
Other names: c.1716+20516dup (NM_001316690.1); short protein forms M806fs.
Identifiers: ClinVar variation 3384121 (VCV003384121.1).